The following is an entry in ClinVar:

NM_004897.5(MINPP1):c.682T>C (p.Phe228Leu)

Gene: MINPP1 (multiple inositol-polyphosphate phosphatase 1; plus strand). Cytogenetic location: 10q23.2.
Variant type: single nucleotide variant.
Coding change: c.682T>C on transcript NM_004897.5 (MANE Select); coding-DNA position 682, T replaced by C.
Protein change: p.Phe228Leu; replaces phenylalanine 228 with leucine.
Molecular consequence: missense variant.
Genome position (GRCh38, 1-based): chr10:87,508,380, T>C. VCF-style: chr10-87508380-T-C. GRCh37 (hg19) VCF-style: chr10-89268137-T-C.
Other names: c.682T>C, p.Phe228Leu (NM_001178117.2); c.79T>C, p.Phe27Leu (NM_001178118.2); short protein forms F228L, F27L.
Identifiers: ClinVar variation 1526393 (VCV001526393.1), dbSNP rs1456945513, ClinGen allele CA377782485.

ClinVar aggregate classification (germline): Uncertain significance (1 of 4 stars; one submission).

Conditions:
Pontocerebellar hypoplasia, type 16. Identifiers: MedGen C5561987, MONDO:0030438, OMIM 619527.

Submission:

SIB Swiss Institute of Bioinformatics
Classification: Uncertain significance for Pontocerebellar hypoplasia, type 16. Last evaluated: 2022-03-28. Review status: criteria provided, single submitter. Criteria: ACMG Guidelines, 2015. Collection method: curation. Allele origin: unknown.
Comment: This variant is interpreted as a variant of uncertain significance for Pontocerebellar hypoplasia, type 16, autosomal recessive. The following ACMG Tag(s) were applied: Absent from controls (or at extremely low frequency if recessive) in Exome Sequencing Project, 1000 Genomes Project, or Exome Aggregation Consortium (PM2); Multiple lines of computational evidence support a deleterious effect on the gene or gene product (PP3); Cosegregation with disease in multiple affected family members in a gene definitively known to cause the disease (PP1).

Literature cited by the submitters: PubMed 33257696.